The following is an entry in ClinVar:

NM_001382391.1(CSPP1):c.414A>G (p.Glu138=)

Gene: CSPP1 (centrosome and spindle pole associated protein 1; plus strand). Cytogenetic location: 8q13.1.
Variant type: single nucleotide variant.
Coding change: c.414A>G on transcript NM_001382391.1 (MANE Select); coding-DNA position 414, A replaced by G.
Protein change: p.Glu138=; no amino-acid change (glutamic acid 138 retained).
Molecular consequence: synonymous variant. On other transcripts: 5 prime UTR variant (1).
Genome position (GRCh38, 1-based): chr8:67,093,572, A>G. VCF-style: chr8-67093572-A-G. GRCh37 (hg19) VCF-style: chr8-68005807-A-G.
Other names: c.-442A>G (NM_001291339.2); c.333A>G, p.Glu111= (NM_001363131.2, NM_001363133.2); c.414A>G, p.Glu138= (NM_001363132.2); c.522A>G, p.Glu174= (NM_001364869.1); c.441A>G, p.Glu147= (NM_001364870.1, NM_024790.7).
Identifiers: ClinVar variation 1082842 (VCV001082842.14), dbSNP rs760017432, ClinGen allele CA4770284.
Genomic context (GRCh38, chr8:67,093,572, plus strand): 5'-TTTAACATTGCCTTTTGATTTTTATTTTAAGGAAAGGTTGAAACTTGAACGTAACAAAGA[A>G]TACAATCAGTTTCTCAGGGGTAAGGAAGAATCCAGTGAAAAGTTCAGGCAGGTGGAAAAG-3'
Protein context (NP_001369320.1, residues 128-148): KERLKLERNK[Glu138=]YNQFLRGKEE

ClinVar aggregate classification (germline): Likely benign. Review status: criteria provided, multiple submitters, no conflicts (2 of 4 stars). 3 submissions from 3 submitters: Likely benign (3). Last evaluated 2026-01-01.

Conditions:
Joubert syndrome 21 (JBTS21). Identifiers: MedGen C3810212, MONDO:0014288, OMIM 615636.

Allele frequency attached by ClinVar (database versions not stated): gnomAD 0.00001; ExAC 0.00002; gnomAD exomes 0.00003 and 0.00005; TOPMed 0.00003.
gnomAD v4.1: 16 of 1,611,478 alleles (0.00099%); highest among the groups gnomAD compares: Admixed American, 0.025%; no homozygotes.

Submissions (3):

CeGaT Center for Human Genetics Tuebingen
Classification: Likely benign. Last evaluated: 2026-01-01. Review status: criteria provided, single submitter. Criteria: CeGaT Center For Human Genetics Tuebingen Variant Classification Criteria Version 2. Collection method: clinical testing. Allele origin: germline. Affected: yes. Observed: 1 variant allele.
Comment: CSPP1: BP4, BP7

Labcorp Genetics (formerly Invitae), Labcorp
Classification: Likely benign for Joubert syndrome 21. Last evaluated: 2025-08-03. Review status: criteria provided, single submitter. Criteria: Invitae Variant Classification Sherloc (09022015). Collection method: clinical testing. Allele origin: germline.

Blueprint Genetics
Classification: Likely benign. Last evaluated: 2023-03-31. Review status: criteria provided, single submitter. Criteria: ACMG Guidelines, 2015. Collection method: clinical testing. Allele origin: germline.